The following is an entry in ClinVar:

NM_133638.6(ADAMTS19):c.112C>G (p.Arg38Gly)

Gene: ADAMTS19 (ADAM metallopeptidase with thrombospondin type 1 motif 19; plus strand). Cytogenetic location: 5q23.3.
Variant type: single nucleotide variant.
Coding change: c.112C>G on transcript NM_133638.6 (MANE Select); coding-DNA position 112, C replaced by G.
Protein change: p.Arg38Gly; replaces arginine 38 with glycine.
Molecular consequence: missense variant.
Genome position (GRCh38, 1-based): chr5:129,461,122, C>G. VCF-style: chr5-129461122-C-G. GRCh37 (hg19) VCF-style: chr5-128796815-C-G.
Other names: c.112C>G (NM_133638.4); short protein forms R38G.
Identifiers: ClinVar variation 2362481 (VCV002362481.5), dbSNP rs192852831, ClinGen allele CA3397167.

ClinVar aggregate classification (germline): Uncertain significance. Review status: criteria provided, single submitter (1 of 4 stars). 2 submissions from 2 submitters: Uncertain significance (1). 1 of the submissions does not count toward it. Last evaluated 2025-10-07.

Conditions:
Inborn genetic diseases. Identifiers: MedGen C0950123, MeSH D030342.
ADAMTS19-related disorder. Also called: ADAMTS19-related condition.

Allele frequency attached by ClinVar (database versions not stated): ExAC 0.00046; 1000 Genomes Project 30x 0.00031; 1000 Genomes Project 0.00020.
gnomAD v4.1: 3,988 of 1,420,116 alleles (0.28%); highest among the groups gnomAD compares: Non-Finnish European, 0.35%; 5 homozygotes.

Submissions (2):

Ambry Genetics
Classification: Uncertain significance for Inborn genetic diseases. Last evaluated: 2025-10-07. Review status: criteria provided, single submitter. Criteria: Ambry Variant Classification Scheme 2023. Collection method: clinical testing. Allele origin: germline.

PreventionGenetics, part of Exact Sciences
Classification: Likely benign for ADAMTS19-related condition. Last evaluated: 2023-03-28. Review status: no assertion criteria provided. Collection method: clinical testing. Allele origin: germline. Not counted in ClinVar's aggregate classification.
Comment: This variant is classified as likely benign based on ACMG/AMP sequence variant interpretation guidelines (Richards et al. 2015 PMID: 25741868, with internal and published modifications).